The following is an entry in ClinVar:

ClinVar aggregate classification (germline): Uncertain significance (1 of 4 stars; one submission).

Conditions:
DICER1-related tumor predisposition. Also called: DICER1-related pleuropulmonary blastoma cancer predisposition syndrome; DICER1 syndrome. Identifiers: Orphanet 284343, MedGen C3839822, MONDO:0100216.

Submission:

Labcorp Genetics (formerly Invitae), Labcorp
Classification: Uncertain significance for DICER1-related tumor predisposition. Last evaluated: 2021-03-22. Review status: criteria provided, single submitter. Criteria: Invitae Variant Classification Sherloc (09022015). Collection method: clinical testing. Allele origin: germline.
Comment: This sequence change replaces glycine with valine at codon 621 of the DICER1 protein (p.Gly621Val). The glycine residue is moderately conserved and there is a moderate physicochemical difference between glycine and valine. In summary, the available evidence is currently insufficient to determine the role of this variant in disease. Therefore, it has been classified as a Variant of Uncertain Significance. Algorithms developed to predict the effect of missense changes on protein structure and function (SIFT, PolyPhen-2, Align-GVGD) all suggest that this variant is likely to be tolerated, but these predictions have not been confirmed by published functional studies and their clinical significance is uncertain. This variant has not been reported in the literature in individuals with DICER1-related conditions. This variant is not present in population databases (ExAC no frequency).

NM_177438.3(DICER1):c.1862G>T (p.Gly621Val)

Gene: DICER1 (dicer 1, ribonuclease III; minus strand). Cytogenetic location: 14q32.13.
Variant type: single nucleotide variant.
Coding change: c.1862G>T on transcript NM_177438.3 (MANE Select); coding-DNA position 1862, G replaced by T.
Protein change: p.Gly621Val; replaces glycine 621 with valine.
Molecular consequence: missense variant.
Genome position (GRCh38, 1-based): chr14:95,115,712, C>A on the plus strand (G>T on the coding strand, the complement: DICER1 is on the minus strand). VCF-style: chr14-95115712-C-A. GRCh37 (hg19) VCF-style: chr14-95582049-C-A.
Other names: c.1862G>T, p.Gly621Val (NM_001291628.2, NM_030621.4, NM_001195573.1 and 1 more transcripts); short protein forms G621V.
Identifiers: ClinVar variation 1473696 (VCV001473696.9), dbSNP rs1369399401, ClinGen allele CA390883964.